The following is an entry in ClinVar:

NM_013266.4(CTNNA3):c.1924G>T (p.Glu642Ter)

Genes: CTNNA3 (catenin alpha 3; minus strand), CTNNA3-AS1 (CTNNA3 antisense RNA 1; plus strand). Cytogenetic location: 10q21.3.
Variant type: single nucleotide variant.
Coding change: c.1924G>T on transcript NM_013266.4 (MANE Select); coding-DNA position 1924, G replaced by T.
Protein change: p.Glu642Ter; replaces glutamic acid 642 with a stop codon.
Molecular consequence: nonsense.
Genome position (GRCh38, 1-based): chr10:66,103,210, C>A on the plus strand (G>T on the coding strand, the complement: CTNNA3 is on the minus strand). VCF-style: chr10-66103210-C-A. GRCh37 (hg19) VCF-style: chr10-67862968-C-A.
Other names: c.1924G>T, p.Glu642Ter (NM_001127384.3); short protein forms E642*.
Identifiers: ClinVar variation 2130506 (VCV002130506.4), dbSNP rs2493341194, ClinGen allele CA377090744.

ClinVar aggregate classification (germline): Uncertain significance (1 of 4 stars; one submission).

Conditions:
Arrhythmogenic right ventricular dysplasia 13. Also called: ARRHYTHMOGENIC RIGHT VENTRICULAR CARDIOMYOPATHY 13; Arrhythmogenic right ventricular dysplasia, familial, 13. Identifiers: MedGen C3810138, MONDO:0000908, OMIM 615616.

Submission:

Labcorp Genetics (formerly Invitae), Labcorp
Classification: Uncertain significance for Arrhythmogenic right ventricular dysplasia 13. Last evaluated: 2023-09-19. Review status: criteria provided, single submitter. Criteria: Invitae Variant Classification Sherloc (09022015). Collection method: clinical testing. Allele origin: germline.
Comment: In summary, the available evidence is currently insufficient to determine the role of this variant in disease. Therefore, it has been classified as a Variant of Uncertain Significance. This sequence change creates a premature translational stop signal (p.Glu642*) in the CTNNA3 gene. It is expected to result in an absent or disrupted protein product. However, the current clinical and genetic evidence is not sufficient to establish whether loss-of-function variants in CTNNA3 cause disease. This variant is not present in population databases (gnomAD no frequency). This variant has not been reported in the literature in individuals affected with CTNNA3-related conditions. ClinVar contains an entry for this variant (Variation ID: 2130506).